The following is an entry in ClinVar:

ClinVar aggregate classification (germline): Conflicting classifications of pathogenicity. Review status: criteria provided, conflicting classifications (1 of 4 stars). 8 submissions from 8 submitters: Uncertain significance (2); Benign (1); Likely benign (4). 1 of the submissions does not count toward it. Last evaluated 2026-01-20.

Conditions:
TTN-related disorder. Also called: TTN-related condition; TTN-related disease; TTN-related disorders.
Cardiovascular phenotype. Identifiers: MedGen CN230736.
Autosomal recessive limb-girdle muscular dystrophy type 2J (LGMDR10). Also called: Limb-girdle muscular dystrophy, type 2J; MUSCULAR DYSTROPHY, LIMB-GIRDLE, AUTOSOMAL RECESSIVE 10. Identifiers: Orphanet 140922, MedGen C1837342, MONDO:0012127, OMIM 608807.
Dilated cardiomyopathy 1G (CMD1G). Identifiers: Orphanet 154, MedGen C1858763, MONDO:0011400, OMIM 604145.

Allele frequency attached by ClinVar (database versions not stated): gnomAD exomes 0.00005 and 0.00013; ExAC 0.00016; 1000 Genomes Project 30x 0.00047; gnomAD 0.00054 and 0.00057; 1000 Genomes Project 0.00060; TOPMed 0.00060; ESP Exome Variant Server 0.00066.

Submissions (8):

Labcorp Genetics (formerly Invitae), Labcorp
Classification: Likely benign for Dilated cardiomyopathy 1G; Autosomal recessive limb-girdle muscular dystrophy type 2J. Last evaluated: 2026-01-20. Review status: criteria provided, single submitter. Criteria: Invitae Variant Classification Sherloc (09022015). Collection method: clinical testing. Allele origin: germline.

Women's Health and Genetics/Laboratory Corporation of America, LabCorp
Classification: Likely benign. Last evaluated: 2025-12-01. Review status: criteria provided, single submitter. Criteria: LabCorp Variant Classification Summary - May 2015. Collection method: clinical testing. Allele origin: germline.
Comment: Variant summary: TTN c.41653C>A (p.Pro13885Thr) results in a non-conservative amino acid change in the encoded protein sequence. Algorithms developed to predict the effect of missense changes on protein structure and function all suggest that this variant is likely to be disruptive. The variant allele was found at a frequency of 0.00013 in 244278 control chromosomes, predominantly at a frequency of 0.0019 within the African or African-American subpopulation in the gnomAD database. The observed variant frequency within African or African-American control individuals in the gnomAD database exceeds the estimated maximal expected allele frequency for disease-causing variants in TTN. To our knowledge, no occurrence of c.41653C>A in individuals affected with TTN-related conditions and no experimental evidence demonstrating its impact on protein function have been reported. ClinVar contains an entry for this variant (Variation ID: 413133). Based on the evidence outlined above, the variant was classified as likely benign.

Molecular Diagnostic Laboratory for Inherited Cardiovascular Disease, Montreal Heart Institute
Classification: Likely benign. Last evaluated: 2025-04-09. Review status: criteria provided, single submitter. Criteria: ACMG Guidelines, 2015. Collection method: clinical testing. Allele origin: germline. Affected: no.

Revvity Omics, Revvity
Classification: Uncertain significance. Last evaluated: 2024-11-27. Review status: criteria provided, single submitter. Criteria: ACMG Guidelines, 2015. Collection method: clinical testing. Allele origin: germline.

GeneDx
Classification: Likely benign. Last evaluated: 2020-11-10. Review status: criteria provided, single submitter. Criteria: GeneDx Variant Classification Process June 2021. Collection method: clinical testing. Allele origin: germline. Affected: yes.

Ambry Genetics
Classification: Benign for Cardiovascular phenotype. Last evaluated: 2020-03-17. Review status: criteria provided, single submitter. Criteria: Ambry Variant Classification Scheme 2023. Collection method: clinical testing. Allele origin: germline.

Eurofins Ntd Llc (ga)
Classification: Uncertain significance. Last evaluated: 2017-05-24. Review status: criteria provided, single submitter. Criteria: EGL Classification Definitions 2015. Collection method: clinical testing. Allele origin: germline. Observed: 2 variant alleles, 2 heterozygotes.

PreventionGenetics, part of Exact Sciences
Classification: Likely benign for TTN-related condition. Last evaluated: 2024-06-20. Review status: no assertion criteria provided. Collection method: clinical testing. Allele origin: germline. Not counted in ClinVar's aggregate classification.
Comment: This variant is classified as likely benign based on ACMG/AMP sequence variant interpretation guidelines (Richards et al. 2015 PMID: 25741868, with internal and published modifications).

NM_001267550.2(TTN):c.49357C>A (p.Pro16453Thr)

Genes: TTN (titin; minus strand), TTN-AS1 (TTN antisense RNA 1; plus strand). Cytogenetic location: 2q31.2.
Variant type: single nucleotide variant.
Coding change: c.49357C>A on transcript NM_001267550.2 (MANE Select); coding-DNA position 49357, C replaced by A.
Protein change: p.Pro16453Thr; replaces proline 16453 with threonine.
Molecular consequence: missense variant.
Genome position (GRCh38, 1-based): chr2:178,613,926, G>T on the plus strand (C>A on the coding strand, the complement: TTN is on the minus strand). VCF-style: chr2-178613926-G-T. GRCh37 (hg19) VCF-style: chr2-179478653-G-T.
Other names: c.44434C>A, p.Pro14812Thr (NM_001256850.1); c.22162C>A, p.Pro7388Thr (NM_003319.4); c.41653C>A, p.Pro13885Thr (NM_133378.4); c.22537C>A, p.Pro7513Thr (NM_133432.3); c.22738C>A, p.Pro7580Thr (NM_133437.4); short protein forms P16453T, P13885T, P14812T, P7388T, P7513T, P7580T.
Identifiers: ClinVar variation 413133 (VCV000413133.26), dbSNP rs200121902, ClinGen allele CA1994613.
Genomic context (GRCh38, chr2:178,613,926, plus strand): 5'-CACACCATGTGAGAGTCACTGCGTCTTTAGTGATATCAGAAGGTTCTAGGCGAGTTGGAG[G>T]ACCAGGTGGATCTATAGACAGGATAATGGTGTAAAATGTTATATGTCCTGTATATAAATA-3'
Protein context (NP_001254479.2, residues 16443-16463): TAKYQFDPPG[Pro16453Thr]PTRLEPSDIT